The following is an entry in ClinVar:

ClinVar aggregate classification (germline): Uncertain significance. Review status: criteria provided, multiple submitters, no conflicts (2 of 4 stars). 2 submissions from 2 submitters: Uncertain significance (2). Last evaluated 2025-06-03.

Conditions:
Inborn genetic diseases. Identifiers: MedGen C0950123, MeSH D030342.

gnomAD v4.1: 10 of 1,570,068 alleles (0.00064%); highest among the groups gnomAD compares: Non-Finnish European, 0.00087%; no homozygotes.

Submissions (2):

Ambry Genetics
Classification: Uncertain significance for Inborn genetic diseases. Last evaluated: 2025-06-03. Review status: criteria provided, single submitter. Criteria: Ambry Variant Classification Scheme 2023. Collection method: clinical testing. Allele origin: germline.

Women's Health and Genetics/Laboratory Corporation of America, LabCorp
Classification: Uncertain significance. Last evaluated: 2024-11-18. Review status: criteria provided, single submitter. Criteria: LabCorp Variant Classification Summary - May 2015. Collection method: clinical testing. Allele origin: germline.
Comment: Variant summary: FGB c.34C>G (p.Leu12Val) results in a conservative amino acid change in the encoded protein sequence. Four of four in-silico tools predict a benign effect of the variant on protein function. The variant allele was found at a frequency of 1e-05 in 193304 control chromosomes. The available data on variant occurrences in the general population are insufficient to allow any conclusion about variant significance. To our knowledge, no occurrence of c.34C>G in individuals affected with Afibrinogenemia, Congenital and no experimental evidence demonstrating its impact on protein function have been reported. No submitters have cited clinical-significance assessments for this variant to ClinVar. Based on the evidence outlined above, the variant was classified as uncertain significance.

NM_005141.5(FGB):c.34C>G (p.Leu12Val)

Gene: FGB (fibrinogen beta chain; plus strand). Cytogenetic location: 4q31.3.
Variant type: single nucleotide variant.
Coding change: c.34C>G on transcript NM_005141.5 (MANE Select); coding-DNA position 34, C replaced by G.
Protein change: p.Leu12Val; replaces leucine 12 with valine.
Molecular consequence: missense variant.
Genome position (GRCh38, 1-based): chr4:154,563,052, C>G. VCF-style: chr4-154563052-C-G. GRCh37 (hg19) VCF-style: chr4-155484204-C-G.
Other names: c.34C>G, p.Leu12Val (NM_001184741.1, NM_001382759.1, NM_001382760.1 and 5 more transcripts); short protein forms L12V.
Identifiers: ClinVar variation 3630038 (VCV003630038.2).